The following is an entry in ClinVar:

ClinVar aggregate classification (germline): Uncertain significance (1 of 4 stars; one submission).

Conditions:
Brown-Vialetto-van Laere syndrome 1. Also called: BROWN-VIALETTO-VAN LAERE SYNDROME 1, MILD; BULBAR PALSY, PROGRESSIVE, WITH SENSORINEURAL DEAFNESS; PONTOBULBAR PALSY WITH DEAFNESS. Identifiers: Orphanet 572550, Orphanet 97229, MedGen C0796274, MONDO:0024537, OMIM 211530.

Allele frequency attached by ClinVar (database versions not stated): TOPMed below 0.00001; gnomAD exomes 0.00001; ExAC 0.00002; gnomAD 0.00002.

Submission:

Labcorp Genetics (formerly Invitae), Labcorp
Classification: Uncertain significance for Brown-Vialetto-van Laere syndrome 1. Last evaluated: 2022-06-14. Review status: criteria provided, single submitter. Criteria: Invitae Variant Classification Sherloc (09022015). Collection method: clinical testing. Allele origin: germline.
Comment: In summary, the available evidence is currently insufficient to determine the role of this variant in disease. Therefore, it has been classified as a Variant of Uncertain Significance. Algorithms developed to predict the effect of missense changes on protein structure and function output the following: SIFT: "Tolerated"; PolyPhen-2: "Benign"; Align-GVGD: "Class C0". The leucine amino acid residue is found in multiple mammalian species, which suggests that this missense change does not adversely affect protein function. This variant has not been reported in the literature in individuals affected with SLC52A3-related conditions. This variant is present in population databases (rs765554888, gnomAD 0.01%). This sequence change replaces isoleucine, which is neutral and non-polar, with leucine, which is neutral and non-polar, at codon 229 of the SLC52A3 protein (p.Ile229Leu).

NM_033409.4(SLC52A3):c.685A>C (p.Ile229Leu)

Gene: SLC52A3 (solute carrier family 52 member 3; minus strand). Cytogenetic location: 20p13.
Variant type: single nucleotide variant.
Coding change: c.685A>C on transcript NM_033409.4 (MANE Select); coding-DNA position 685, A replaced by C.
Protein change: p.Ile229Leu; replaces isoleucine 229 with leucine.
Molecular consequence: missense variant.
Genome position (GRCh38, 1-based): chr20:763,886, T>G on the plus strand (A>C on the coding strand, the complement: SLC52A3 is on the minus strand). VCF-style: chr20-763886-T-G. GRCh37 (hg19) VCF-style: chr20-744530-T-G.
Other names: c.685A>C, p.Ile229Leu (NM_001370085.1, NM_001370086.1); short protein forms I229L.
Identifiers: ClinVar variation 2417459 (VCV002417459.6), dbSNP rs765554888, ClinGen allele CA9724706.
Genomic context (GRCh38, chr20:763,886, plus strand): 5'-CCCAGCACCTGGGTTGACGCTGGAGGACAAAGAACGCCACGAGGCAGCAGGCCATCATGA[T>G]GGATAGGAGGAGGAAGAAGACCAGGGGTGAGAAGTGGGCGGGAAGGTAGCGGCTCTCCAG-3'
Protein context (NP_212134.3, residues 219-239): SPLVFFLLLS[Ile229Leu]MMACCLVAFF